The following is an entry in ClinVar:

ClinVar aggregate classification (germline): Conflicting classifications of pathogenicity. Review status: criteria provided, conflicting classifications (1 of 4 stars). 2 submissions from 2 submitters: Likely pathogenic (1); Uncertain significance (1). Last evaluated 2024-05-24.

Conditions:
Adenylosuccinate lyase deficiency (ADSLD). Also called: ADSL DEFICIENCY. Identifiers: Orphanet 46, MedGen C0268126, MONDO:0007068, OMIM 103050.

Allele frequency attached by ClinVar (database versions not stated): gnomAD exomes below 0.00001 and 0.00001; TOPMed below 0.00001; ExAC 0.00001.
gnomAD v4.1: 4 of 1,614,002 alleles (0.00025%); highest among the groups gnomAD compares: Non-Finnish European, 0.00034%; no homozygotes.

Submissions (2):

GeneDx
Classification: Likely pathogenic. Last evaluated: 2024-05-24. Review status: criteria provided, single submitter. Criteria: GeneDx Variant Classification Process June 2021. Collection method: clinical testing. Allele origin: germline. Affected: yes.
Comment: Not observed at significant frequency in large population cohorts (gnomAD); Has not been previously published as pathogenic or benign to our knowledge; In silico analysis supports that this missense variant has a deleterious effect on protein structure/function

Labcorp Genetics (formerly Invitae), Labcorp
Classification: Uncertain significance for Adenylosuccinate lyase deficiency. Last evaluated: 2022-04-15. Review status: criteria provided, single submitter. Criteria: Invitae Variant Classification Sherloc (09022015). Collection method: clinical testing. Allele origin: germline.
Comment: This sequence change replaces valine, which is neutral and non-polar, with alanine, which is neutral and non-polar, at codon 363 of the ADSL protein (p.Val363Ala). This variant is present in population databases (rs758895348, gnomAD 0.0009%). This variant has not been reported in the literature in individuals affected with ADSL-related conditions. ClinVar contains an entry for this variant (Variation ID: 1189845). Advanced modeling of protein sequence and biophysical properties (such as structural, functional, and spatial information, amino acid conservation, physicochemical variation, residue mobility, and thermodynamic stability) performed at Invitae indicates that this missense variant is expected to disrupt ADSL protein function. In summary, the available evidence is currently insufficient to determine the role of this variant in disease. Therefore, it has been classified as a Variant of Uncertain Significance.

NM_000026.4(ADSL):c.1088T>C (p.Val363Ala)

Gene: ADSL (adenylosuccinate lyase; plus strand). Cytogenetic location: 22q13.1.
Variant type: single nucleotide variant.
Coding change: c.1088T>C on transcript NM_000026.4 (MANE Select); coding-DNA position 1088, T replaced by C.
Protein change: p.Val363Ala; replaces valine 363 with alanine.
Molecular consequence: missense variant. On other transcripts: non-coding transcript variant (1).
Genome position (GRCh38, 1-based): chr22:40,363,058, T>C. VCF-style: chr22-40363058-T-C. GRCh37 (hg19) VCF-style: chr22-40759062-T-C.
Other names: c.1088T>C, p.Val363Ala (NM_001123378.3, NM_001363840.3); c.896T>C, p.Val299Ala (NM_001317923.2); short protein forms V299A, V363A.
Identifiers: ClinVar variation 1189845 (VCV001189845.7), dbSNP rs758895348, ClinGen allele CA10247903.